The following is an entry in ClinVar:

NM_004557.4(NOTCH4):c.1488C>T (p.Thr496=)

Gene: NOTCH4 (notch receptor 4; minus strand). Cytogenetic location: 6p21.32.
Variant type: single nucleotide variant.
Coding change: c.1488C>T on transcript NM_004557.4 (MANE Select); coding-DNA position 1488, C replaced by T.
Protein change: p.Thr496=; no amino-acid change (threonine 496 retained).
Molecular consequence: synonymous variant. On other transcripts: non-coding transcript variant (2).
Genome position (GRCh38, 1-based): chr6:32,219,614, G>A on the plus strand (C>T on the coding strand, the complement: NOTCH4 is on the minus strand). VCF-style: chr6-32219614-G-A. GRCh37 (hg19) VCF-style: chr6-32187391-G-A.
Identifiers: ClinVar variation 2656450 (VCV002656450.24), dbSNP rs143705387, ClinGen allele CA3739990.
Genomic context (GRCh38, chr6:32,219,614, plus strand): 5'-CCCTGTTTTCCCCACCCAAGGCCCCATCCAGCTGATACCTGGCGGGCAGAGGCAGTGGAA[G>A]GTGGCAAGTAGGTCCAGACAGGTGCTTCCTGGGTGGCAGGGCTGGGAGAGGCACTCATTG-3'
Protein context (NP_004548.3, residues 486-506): PGSTCLDLLA[Thr496=]FHCLCPPGLE

ClinVar aggregate classification (germline): Likely benign (1 of 4 stars; one submission).

Allele frequency attached by ClinVar (database versions not stated): 1000 Genomes Project 30x 0.00031; 1000 Genomes Project 0.00040; ExAC 0.00054; gnomAD exomes 0.00057; gnomAD 0.00069; ESP Exome Variant Server 0.00142.
gnomAD v4.1: 932 of 1,612,990 alleles (0.058%); highest among the groups gnomAD compares: African/African-American, 0.2%; no homozygotes.

Submission:

CeGaT Center for Human Genetics Tuebingen
Classification: Likely benign. Last evaluated: 2025-05-01. Review status: criteria provided, single submitter. Criteria: CeGaT Center For Human Genetics Tuebingen Variant Classification Criteria Version 2. Collection method: clinical testing. Allele origin: germline. Affected: yes. Observed: 2 variant alleles.
Comment: NOTCH4: BP4, BP7